The following is an entry in ClinVar:

ClinVar aggregate classification (germline): Uncertain significance (1 of 4 stars; one submission).

gnomAD v4.1: 1 of 1,609,392 alleles (0.000062%); highest among the groups gnomAD compares: Non-Finnish European, 0.000085%; no homozygotes.

Submission:

GeneDx
Classification: Uncertain significance. Last evaluated: 2024-04-01. Review status: criteria provided, single submitter. Criteria: GeneDx Variant Classification Process June 2021. Collection method: clinical testing. Allele origin: germline. Affected: yes.
Comment: Not observed at significant frequency in large population cohorts (gnomAD); In silico analysis supports that this missense variant has a deleterious effect on protein structure/function; Has not been previously published as pathogenic or benign to our knowledge

NM_003036.4(SKI):c.761A>G (p.Tyr254Cys)

Gene: SKI (SKI proto-oncogene; plus strand). Cytogenetic location: 1p36.33.
Variant type: single nucleotide variant.
Coding change: c.761A>G on transcript NM_003036.4 (MANE Select); coding-DNA position 761, A replaced by G.
Protein change: p.Tyr254Cys; replaces tyrosine 254 with cysteine.
Molecular consequence: missense variant.
Genome position (GRCh38, 1-based): chr1:2,229,527, A>G. VCF-style: chr1-2229527-A-G. GRCh37 (hg19) VCF-style: chr1-2160966-A-G.
Other names: short protein forms Y254C.
Identifiers: ClinVar variation 3371670 (VCV003371670.1).